The following is an entry in ClinVar:

NM_000262.3(NAGA):c.360G>A (p.Ala120=)

Genes: NAGA (alpha-N-acetylgalactosaminidase; minus strand), LOC126863160 (CDK7 strongly-dependent group 2 enhancer GRCh37_chr22:42462918-42464117; plus strand). Cytogenetic location: 22q13.2.
Variant type: single nucleotide variant.
Coding change: c.360G>A on transcript NM_000262.3 (MANE Select); coding-DNA position 360, G replaced by A.
Protein change: p.Ala120=; no amino-acid change (alanine 120 retained).
Molecular consequence: synonymous variant.
Genome position (GRCh38, 1-based): chr22:42,067,255, C>T on the plus strand (G>A on the coding strand, the complement: NAGA is on the minus strand). VCF-style: chr22-42067255-C-T. GRCh37 (hg19) VCF-style: chr22-42463259-C-T.
Other names: c.360G>A, p.Ala120= (NM_001362848.1, NM_001362850.1).
Identifiers: ClinVar variation 724861 (VCV000724861.17), dbSNP rs149600926, ClinGen allele CA10263839.

ClinVar aggregate classification (germline): Likely benign. Review status: criteria provided, multiple submitters, no conflicts (2 of 4 stars). 3 submissions from 3 submitters: Likely benign (3). Last evaluated 2026-06-15.

Conditions:
NAGA-related disorder. Also called: NAGA-related disorders; NAGA-related condition. Identifiers: MedGen CN378768.
Alpha-N-acetylgalactosaminidase deficiency type 1. Also called: NAGA DEFICIENCY, TYPE I; NEUROAXONAL DYSTROPHY, SCHINDLER TYPE; SCHINDLER DISEASE, TYPE I; ALPHA-N-ACETYLGALACTOSAMINIDASE DEFICIENCY, TYPE I. Identifiers: Orphanet 3137, Orphanet 79279, Orphanet 79281, MedGen C1836544, MONDO:0012221, OMIM 609241.

Allele frequency attached by ClinVar (database versions not stated): ExAC 0.00013; ESP Exome Variant Server 0.00015; gnomAD exomes 0.00015 and 0.00037; gnomAD 0.00021; TOPMed 0.00022.
gnomAD v4.1: 568 of 1,614,126 alleles (0.035%); highest among the groups gnomAD compares: Non-Finnish European, 0.044%; no homozygotes.

Submissions (3):

PreventionGenetics, part of Exact Sciences
Classification: Likely benign for NAGA-related condition. Last evaluated: 2026-06-15. Review status: criteria provided, single submitter. Criteria: ACMG Guidelines, 2015. Collection method: clinical testing. Allele origin: germline.
Comment: This variant is classified as likely benign based on ACMG/AMP sequence variant interpretation guidelines (Richards et al. 2015 PMID: 25741868, with internal and published modifications).

Labcorp Genetics (formerly Invitae), Labcorp
Classification: Likely benign for Alpha-N-acetylgalactosaminidase deficiency type 1. Last evaluated: 2026-01-27. Review status: criteria provided, single submitter. Criteria: Invitae Variant Classification Sherloc (09022015). Collection method: clinical testing. Allele origin: germline.

CeGaT Center for Human Genetics Tuebingen
Classification: Likely benign. Last evaluated: 2025-09-01. Review status: criteria provided, single submitter. Criteria: CeGaT Center For Human Genetics Tuebingen Variant Classification Criteria Version 2. Collection method: clinical testing. Allele origin: germline. Affected: yes. Observed: 2 variant alleles.
Comment: NAGA: BP4, BP7